The following is an entry in ClinVar:

ClinVar aggregate classification (germline): Uncertain significance (1 of 4 stars; one submission).

Conditions:
Dyskeratosis congenita, autosomal dominant 6 (DKCA6). Identifiers: Orphanet 3322, MedGen C4225284, MONDO:0014690, OMIM 616553.

Submission:

Labcorp Genetics (formerly Invitae), Labcorp
Classification: Uncertain significance for Dyskeratosis congenita, autosomal dominant 6. Last evaluated: 2022-06-09. Review status: criteria provided, single submitter. Criteria: Invitae Variant Classification Sherloc (09022015). Collection method: clinical testing. Allele origin: germline.
Comment: In summary, the available evidence is currently insufficient to determine the role of this variant in disease. Therefore, it has been classified as a Variant of Uncertain Significance. Algorithms developed to predict the effect of missense changes on protein structure and function (SIFT, PolyPhen-2, Align-GVGD) all suggest that this variant is likely to be disruptive. ClinVar contains an entry for this variant (Variation ID: 1058038). This variant has not been reported in the literature in individuals affected with ACD-related conditions. This variant is not present in population databases (gnomAD no frequency). This sequence change replaces leucine, which is neutral and non-polar, with proline, which is neutral and non-polar, at codon 258 of the ACD protein (p.Leu258Pro).

NM_001082486.2(ACD):c.515T>C (p.Leu172Pro)

Gene: ACD (ACD shelterin complex subunit and telomerase recruitment factor; minus strand). Cytogenetic location: 16q22.1.
Variant type: single nucleotide variant.
Coding change: c.515T>C on transcript NM_001082486.2 (MANE Select); coding-DNA position 515, T replaced by C.
Protein change: p.Leu172Pro; replaces leucine 172 with proline.
Molecular consequence: missense variant.
Genome position (GRCh38, 1-based): chr16:67,659,058, A>G on the plus strand (T>C on the coding strand, the complement: ACD is on the minus strand). VCF-style: chr16-67659058-A-G. GRCh37 (hg19) VCF-style: chr16-67692961-A-G.
Other names: c.506T>C, p.Leu169Pro (NM_022914.3); short protein forms L169P, L172P.
Identifiers: ClinVar variation 1058038 (VCV001058038.9), dbSNP rs2142971578, ClinGen allele CA396354391.